The following is an entry in ClinVar:

ClinVar aggregate classification (germline): Uncertain significance (1 of 4 stars; one submission).

gnomAD v4.1: 3 of 1,598,994 alleles (0.00019%); highest among the groups gnomAD compares: Non-Finnish European, 0.00026%; no homozygotes.

Submission:

Ambry Genetics
Classification: Uncertain significance. Last evaluated: 2025-10-19. Review status: criteria provided, single submitter. Criteria: Ambry Variant Classification Scheme 2023. Collection method: clinical testing. Allele origin: germline.
Comment: The p.S2019A variant (also known as c.6055T>G), located in coding exon 24 of the WNK2 gene, results from a T to G substitution at nucleotide position 6055. The serine at codon 2019 is replaced by alanine, an amino acid with similar properties. This amino acid position is conserved. In addition, the in silico prediction for this alteration is inconclusive. Based on the available evidence, the clinical significance of this variant remains unclear.

NM_006648.4(WNK2):c.6055T>G (p.Ser2019Ala)

Gene: WNK2 (WNK lysine deficient protein kinase 2; plus strand). Cytogenetic location: 9q22.31.
Variant type: single nucleotide variant.
Coding change: c.6055T>G on transcript NM_006648.4 (MANE Select); coding-DNA position 6055, T replaced by G.
Protein change: p.Ser2019Ala; replaces serine 2019 with alanine.
Molecular consequence: missense variant.
Genome position (GRCh38, 1-based): chr9:93,299,201, T>G. VCF-style: chr9-93299201-T-G. GRCh37 (hg19) VCF-style: chr9-96061483-T-G.
Other names: c.6166T>G, p.Ser2056Ala (NM_001282394.3); short protein forms S2019A, S2056A.
Identifiers: ClinVar variation 4605275 (VCV004605275.1).